The following is an entry in ClinVar:

ClinVar aggregate classification (germline): Uncertain significance. Review status: criteria provided, multiple submitters, no conflicts (2 of 4 stars). 3 submissions from 3 submitters: Uncertain significance (2). 1 of the submissions does not count toward it. Last evaluated 2026-02-02.

Conditions:
Hereditary cancer-predisposing syndrome. Also called: Tumor predisposition; Hereditary neoplastic syndrome; Neoplastic Syndromes, Hereditary; Hereditary Cancer Syndrome. Identifiers: Orphanet 140162, MedGen C0027672, MeSH D009386, MONDO:0015356.
Bloom syndrome (BLM). Also called: Bloom-Torre-Machacek syndrome. Identifiers: Orphanet 125, MedGen C0005859, MONDO:0008876, OMIM 210900.

Allele frequency attached by ClinVar (database versions not stated): gnomAD exomes below 0.00001; TOPMed 0.00001.
gnomAD v4.1: 1 of 1,614,164 alleles (0.000062%); highest among the groups gnomAD compares: African/African-American, 0.0013%; no homozygotes.

Submissions (3):

Labcorp Genetics (formerly Invitae), Labcorp
Classification: Uncertain significance for Bloom syndrome. Last evaluated: 2026-02-02. Review status: criteria provided, single submitter. Criteria: Invitae Variant Classification Sherloc (09022015). Collection method: clinical testing. Allele origin: germline.
Comment: This sequence change replaces alanine, which is neutral and non-polar, with glycine, which is neutral and non-polar, at codon 920 of the BLM protein (p.Ala920Gly). This variant is not present in population databases (gnomAD no frequency). This variant has not been reported in the literature in individuals affected with BLM-related conditions. ClinVar contains an entry for this variant (Variation ID: 2177971). Invitae Evidence Modeling of protein sequence and biophysical properties (such as structural, functional, and spatial information, amino acid conservation, physicochemical variation, residue mobility, and thermodynamic stability) indicates that this missense variant is expected to disrupt BLM protein function with a positive predictive value of 80%. In summary, the available evidence is currently insufficient to determine the role of this variant in disease. Therefore, it has been classified as a Variant of Uncertain Significance.

Ambry Genetics
Classification: Uncertain significance for Hereditary cancer-predisposing syndrome. Last evaluated: 2024-07-24. Review status: criteria provided, single submitter. Criteria: Ambry Variant Classification Scheme 2023. Collection method: clinical testing. Allele origin: germline.
Comment: The p.A920G variant (also known as c.2759C>G), located in coding exon 13 of the BLM gene, results from a C to G substitution at nucleotide position 2759. The alanine at codon 920 is replaced by glycine, an amino acid with similar properties. This amino acid position is conserved. In addition, the in silico prediction for this alteration is inconclusive. Based on the available evidence, the clinical significance of this variant remains unclear.

Natera, Inc.
Classification: Uncertain significance for Bloom syndrome. Last evaluated: 2025-02-11. Review status: no assertion criteria provided. Collection method: clinical testing. Allele origin: germline. Not counted in ClinVar's aggregate classification.

NM_000057.4(BLM):c.2759C>G (p.Ala920Gly)

Gene: BLM (BLM RecQ like helicase; plus strand). Cytogenetic location: 15q26.1.
Variant type: single nucleotide variant.
Coding change: c.2759C>G on transcript NM_000057.4 (MANE Select); coding-DNA position 2759, C replaced by G.
Protein change: p.Ala920Gly; replaces alanine 920 with glycine.
Molecular consequence: missense variant.
Genome position (GRCh38, 1-based): chr15:90,785,017, C>G. VCF-style: chr15-90785017-C-G. GRCh37 (hg19) VCF-style: chr15-91328247-C-G.
Other names: c.2759C>G (NM_000057.3); c.2759C>G, p.Ala920Gly (NM_001287246.2, NM_001287247.2); c.1634C>G, p.Ala545Gly (NM_001287248.2); short protein forms A545G, A920G.
Identifiers: ClinVar variation 2177971 (VCV002177971.6), dbSNP rs1371241049, ClinGen allele CA393846050.